The following is an entry in ClinVar:

NM_030665.4(RAI1):c.2314G>C (p.Gly772Arg)

Gene: RAI1 (retinoic acid induced 1; plus strand). Cytogenetic location: 17p11.2.
Variant type: single nucleotide variant.
Coding change: c.2314G>C on transcript NM_030665.4 (MANE Select); coding-DNA position 2314, G replaced by C.
Protein change: p.Gly772Arg; replaces glycine 772 with arginine.
Molecular consequence: missense variant.
Genome position (GRCh38, 1-based): chr17:17,795,262, G>C. VCF-style: chr17-17795262-G-C. GRCh37 (hg19) VCF-style: chr17-17698576-G-C.
Other names: short protein forms G772R.
Identifiers: ClinVar variation 5008025 (VCV005008025.1).

ClinVar aggregate classification (germline): Uncertain significance (1 of 4 stars; one submission).

gnomAD v4.1: 1 of 1,613,806 alleles (0.000062%); highest among the groups gnomAD compares: African/African-American, 0.0013%; no homozygotes.

Submission:

GeneDx
Classification: Uncertain significance. Last evaluated: 2026-02-12. Review status: criteria provided, single submitter. Criteria: GeneDx Variant Classification Process June 2021. Collection method: clinical testing. Allele origin: germline.
Comment: Not observed at significant frequency in large population cohorts (gnomAD); In silico analysis suggests that this missense variant does not alter protein structure/function; Has not been previously published as pathogenic or benign to our knowledge